The following is an entry in ClinVar:

NM_014727.3(KMT2B):c.1394G>A (p.Cys465Tyr)

Gene: KMT2B (lysine methyltransferase 2B; plus strand). Cytogenetic location: 19q13.12.
Variant type: single nucleotide variant.
Coding change: c.1394G>A on transcript NM_014727.3 (MANE Select); coding-DNA position 1394, G replaced by A.
Protein change: p.Cys465Tyr; replaces cysteine 465 with tyrosine.
Molecular consequence: missense variant.
Genome position (GRCh38, 1-based): chr19:35,720,741, G>A. VCF-style: chr19-35720741-G-A. GRCh37 (hg19) VCF-style: chr19-36211643-G-A.
Other names: short protein forms C465Y.
Identifiers: ClinVar variation 5016955 (VCV005016955.1).
Genomic context (GRCh38, chr19:35,720,741, plus strand): 5'-CACCGCCTCCTGCCCAAGAGGAGCAGGAGGAATCCCCTCCTCCTGTGGTCCCAGCTACGT[G>A]CTCCAGGAAGAGGGGCCGGCCTCCCCTGACTCCCAGCCAGCGGGCGGAGCGGGAAGCTGC-3'
Protein context (NP_055542.1, residues 455-475): ESPPPVVPAT[Cys465Tyr]SRKRGRPPLT

ClinVar aggregate classification (germline): Uncertain significance (1 of 4 stars; one submission).

Submission:

GeneDx
Classification: Uncertain significance. Last evaluated: 2026-03-21. Review status: criteria provided, single submitter. Criteria: GeneDx Variant Classification Process June 2021. Collection method: clinical testing. Allele origin: germline.
Comment: Not observed at significant frequency in large population cohorts (gnomAD); In silico analysis suggests that this missense variant does not alter protein structure/function; Has not been previously published as pathogenic or benign to our knowledge